The following is an entry in ClinVar:

ClinVar aggregate classification (germline): Likely benign. Review status: criteria provided, multiple submitters, no conflicts (2 of 4 stars). 4 submissions from 4 submitters: Likely benign (4). Last evaluated 2025-09-29.

Conditions:
Fanconi anemia complementation group D2. Also called: FANCONI PANCYTOPENIA, TYPE 4; FANCONI ANEMIA, COMPLEMENTATION GROUP D; FANCD2-Related Fanconi Anemia. Identifiers: Orphanet 84, MedGen C3160738, MONDO:0009214, OMIM 227646.
VHL-related disorder. Also called: VHL-related condition.
Fanconi anemia (FA). Also called: Fanconi's anemia. Identifiers: Orphanet 84, MedGen C0015625, MeSH D005199, MONDO:0019391.

Allele frequency attached by ClinVar (database versions not stated): ExAC 0.00004; gnomAD exomes 0.00004 and 0.00005.
gnomAD v4.1: 69 of 1,614,016 alleles (0.0043%); highest among the groups gnomAD compares: Non-Finnish European, 0.0044%; no homozygotes.

Submissions (4):

PreventionGenetics, part of Exact Sciences
Classification: Likely benign for VHL-related condition. Last evaluated: 2025-09-29. Review status: criteria provided, single submitter. Criteria: ACMG Guidelines, 2015. Collection method: clinical testing. Allele origin: germline.
Comment: This variant is classified as likely benign based on ACMG/AMP sequence variant interpretation guidelines (Richards et al. 2015 PMID: 25741868, with internal and published modifications).

Labcorp Genetics (formerly Invitae), Labcorp
Classification: Likely benign for Fanconi anemia. Last evaluated: 2025-09-28. Review status: criteria provided, single submitter. Criteria: Invitae Variant Classification Sherloc (09022015). Collection method: clinical testing. Allele origin: germline.

Blueprint Genetics
Classification: Likely benign. Last evaluated: 2024-09-04. Review status: criteria provided, single submitter. Criteria: ACMG Guidelines, 2015. Collection method: clinical testing. Allele origin: germline.

Fulgent Genetics
Classification: Likely benign for Fanconi anemia complementation group D2. Last evaluated: 2022-02-22. Review status: criteria provided, single submitter. Criteria: ACMG Guidelines, 2015. Collection method: clinical testing. Allele origin: unknown.

NM_001018115.3(FANCD2):c.2022-4G>A

Genes: FANCD2 (FA complementation group D2; plus strand), VHL (von Hippel-Lindau tumor suppressor; plus strand), LOC107303338 (3p25 FANCD2 Alu-mediated recombination region; plus strand). Cytogenetic location: 3p25.3.
Variant type: single nucleotide variant.
Coding change: c.2022-4G>A on transcript NM_001018115.3 (MANE Select); 4 bases into the intron before coding-DNA position 2022, G replaced by A.
Molecular consequence: intron variant.
Genome position (GRCh38, 1-based): chr3:10,064,725, G>A. VCF-style: chr3-10064725-G-A. GRCh37 (hg19) VCF-style: chr3-10106409-G-A.
Other names: c.2022-4G>A (NM_001319984.2, NM_033084.6, NM_001374254.1); c.1911-4G>A (NM_001374253.1).
Identifiers: ClinVar variation 1542983 (VCV001542983.11), dbSNP rs748941966, ClinGen allele CA2249943.